The following is an entry in ClinVar:

NM_024642.5(GALNT12):c.1606-2A>G

Gene: GALNT12 (polypeptide N-acetylgalactosaminyltransferase 12; plus strand). Cytogenetic location: 9q22.33.
Variant type: single nucleotide variant.
Coding change: c.1606-2A>G on transcript NM_024642.5 (MANE Select); the canonical splice acceptor site of the intron before coding-DNA position 1606, A replaced by G.
Molecular consequence: splice acceptor variant.
Genome position (GRCh38, 1-based): chr9:98,848,950, A>G. VCF-style: chr9-98848950-A-G. GRCh37 (hg19) VCF-style: chr9-101611232-A-G.
Identifiers: ClinVar variation 1776277 (VCV001776277.2), dbSNP rs2490565247, ClinGen allele CA374222621.

ClinVar aggregate classification (germline): Uncertain significance (1 of 4 stars; one submission).

Allele frequency attached by ClinVar (database versions not stated): gnomAD exomes below 0.00001.

Submission:

Ambry Genetics
Classification: Uncertain significance. Last evaluated: 2021-09-27. Review status: criteria provided, single submitter. Criteria: Ambry Variant Classification Scheme 2023. Collection method: clinical testing. Allele origin: germline.
Comment: The c.1606-2A>G intronic variant results from an A to G substitution two nucleotides upstream from coding exon 10 in the GALNT12 gene. This alteration occurs at the 3' terminus of the GALNT12 gene, is not expected to trigger nonsense-mediated mRNA decay, and only impacts the last 46 amino acids of the protein. The exact functional effect of this alteration is unknown. In addition, the gene-disease association for GALNT12 is limited. In silico splice site analysis predicts that this alteration will weaken the native splice acceptor site and will result in the creation or strengthening of a novel splice acceptor site. This nucleotide position is highly conserved in available vertebrate species. Since supporting evidence is limited at this time, the clinical significance of this alteration remains unclear.